The following is an entry in ClinVar:

NM_000051.4(ATM):c.663-15T>C

Gene: ATM (ATM serine/threonine kinase; plus strand). Cytogenetic location: 11q22.3.
Variant type: single nucleotide variant.
Coding change: c.663-15T>C on transcript NM_000051.4 (MANE Select); 15 bases into the intron before coding-DNA position 663, T replaced by C.
Molecular consequence: intron variant.
Genome position (GRCh38, 1-based): chr11:108,244,773, T>C. VCF-style: chr11-108244773-T-C. GRCh37 (hg19) VCF-style: chr11-108115500-T-C.
Other names: c.663-15T>C (NM_001351834.2).
Identifiers: ClinVar variation 2088174 (VCV002088174.5), dbSNP rs768484720, ClinGen allele CA6264663.

ClinVar aggregate classification (germline): Likely benign. Review status: criteria provided, multiple submitters, no conflicts (2 of 4 stars). 2 submissions from 2 submitters: Likely benign (2). Last evaluated 2024-04-22.

Conditions:
Familial cancer of breast. Also called: hereditary breast carcinoma; Hereditary breast cancer; BREAST CANCER, FAMILIAL. Identifiers: Orphanet 227535, MedGen C0346153, MONDO:0016419, OMIM 114480. Disease mechanism: loss of function.
Ataxia-telangiectasia syndrome (AT). Also called: Ataxia-telangiectasia, complementation group D; AT, COMPLEMENTATION GROUP C; ATAXIA-TELANGIECTASIA, COMPLEMENTATION GROUP A; ATAXIA-TELANGIECTASIA, FRESNO VARIANT; Ataxia telangiectasia (A-T); Ataxia-telangiectasia. Identifiers: Orphanet 100, MedGen C0004135, MONDO:0008840, OMIM 208900.

Allele frequency attached by ClinVar (database versions not stated): gnomAD exomes below 0.00001; ExAC 0.00001.
gnomAD v4.1: 3 of 1,598,446 alleles (0.00019%); highest among the groups gnomAD compares: Non-Finnish European, 0.00017%; no homozygotes.

Submissions (2):

Myriad Genetics, Inc.
Classification: Likely benign for Familial cancer of breast. Last evaluated: 2024-04-22. Review status: criteria provided, single submitter. Criteria: Myriad Autosomal Dominant, Autosomal Recessive and X-Linked Classification Criteria (2023). Collection method: clinical testing. Allele origin: unknown.
Comment: This variant is considered likely benign. This variant is intronic and is not expected to impact mRNA splicing.

Labcorp Genetics (formerly Invitae), Labcorp
Classification: Likely benign for Ataxia-telangiectasia syndrome. Last evaluated: 2024-02-22. Review status: criteria provided, single submitter. Criteria: Invitae Variant Classification Sherloc (09022015). Collection method: clinical testing. Allele origin: germline.